The following is an entry in ClinVar:

NM_018670.4(MESP1):c.308A>C (p.His103Pro)

Genes: MESP1 (mesoderm posterior bHLH transcription factor 1; minus strand), LOC130057889 (ATAC-STARR-seq lymphoblastoid silent region 6804; plus strand). Cytogenetic location: 15q26.1.
Variant type: single nucleotide variant.
Coding change: c.308A>C on transcript NM_018670.4 (MANE Select); coding-DNA position 308, A replaced by C.
Protein change: p.His103Pro; replaces histidine 103 with proline.
Molecular consequence: missense variant.
Genome position (GRCh38, 1-based): chr15:89,750,924, T>G on the plus strand (A>C on the coding strand, the complement: MESP1 is on the minus strand). VCF-style: chr15-89750924-T-G. GRCh37 (hg19) VCF-style: chr15-90294155-T-G.
Other names: short protein forms H103P.
Identifiers: ClinVar variation 1489623 (VCV001489623.8), dbSNP rs769973267, ClinGen allele CA7730246.

ClinVar aggregate classification (germline): Uncertain significance (1 of 4 stars; one submission).

Allele frequency attached by ClinVar (database versions not stated): gnomAD 0.00004 and 0.00005; TOPMed 0.00004.

Submission:

Labcorp Genetics (formerly Invitae), Labcorp
Classification: Uncertain significance. Last evaluated: 2021-03-24. Review status: criteria provided, single submitter. Criteria: Invitae Variant Classification Sherloc (09022015). Collection method: clinical testing. Allele origin: germline.
Comment: In summary, the available evidence is currently insufficient to determine the role of this variant in disease. Therefore, it has been classified as a Variant of Uncertain Significance. Algorithms developed to predict the effect of missense changes on protein structure and function are either unavailable or do not agree on the potential impact of this missense change (SIFT: "Deleterious"; PolyPhen-2: "Possibly Damaging"; Align-GVGD: "Class C0"). This variant has not been reported in the literature in individuals with MESP1-related conditions. The frequency data for this variant in the population databases is considered unreliable, as metrics indicate poor data quality at this position in the ExAC database. This sequence change replaces histidine with proline at codon 103 of the MESP1 protein (p.His103Pro). The histidine residue is highly conserved and there is a moderate physicochemical difference between histidine and proline.